The following is an entry in ClinVar:

ClinVar aggregate classification (germline): Pathogenic (1 of 4 stars; one submission).

Conditions:
Familial thoracic aortic aneurysm and aortic dissection (TAAD). Also called: Thoracic aortic aneurysms and dissections. Identifiers: Orphanet 91387, MedGen C4707243, MONDO:0019625.

Submission:

Ambry Genetics
Classification: Pathogenic for Familial thoracic aortic aneurysm and aortic dissection. Last evaluated: 2024-07-08. Review status: criteria provided, single submitter. Criteria: Ambry Variant Classification Scheme 2023. Collection method: clinical testing. Allele origin: germline.
Comment: The p.C1053* pathogenic mutation (also known as c.3159C>A), located in coding exon 25 of the FBN1 gene, results from a C to A substitution at nucleotide position 3159. This changes the amino acid from a cysteine to a stop codon within coding exon 25. This variant is considered to be rare based on population cohorts in the Genome Aggregation Database (gnomAD). This alteration is expected to result in loss of function by premature protein truncation or nonsense-mediated mRNA decay. As such, this alteration is interpreted as a disease-causing mutation.

NM_000138.5(FBN1):c.3159C>A (p.Cys1053Ter)

Gene: FBN1 (fibrillin 1; minus strand). Cytogenetic location: 15q21.1.
Variant type: single nucleotide variant.
Coding change: c.3159C>A on transcript NM_000138.5 (MANE Select); coding-DNA position 3159, C replaced by A.
Protein change: p.Cys1053Ter; replaces cysteine 1053 with a stop codon.
Molecular consequence: nonsense.
Genome position (GRCh38, 1-based): chr15:48,488,417, G>T on the plus strand (C>A on the coding strand, the complement: FBN1 is on the minus strand). VCF-style: chr15-48488417-G-T. GRCh37 (hg19) VCF-style: chr15-48780614-G-T.
Other names: short protein forms C1053*.
Identifiers: ClinVar variation 264131 (VCV000264131.6), dbSNP rs886039054, ClinGen allele CA10587840.